The following is an entry in ClinVar:

NM_001297.5(CNGB1):c.1987G>A (p.Val663Met)

Gene: CNGB1 (cyclic nucleotide gated channel subunit beta 1; minus strand). Cytogenetic location: 16q21.
Variant type: single nucleotide variant.
Coding change: c.1987G>A on transcript NM_001297.5 (MANE Select); coding-DNA position 1987, G replaced by A.
Protein change: p.Val663Met; replaces valine 663 with methionine.
Molecular consequence: missense variant.
Genome position (GRCh38, 1-based): chr16:57,917,447, C>T on the plus strand (G>A on the coding strand, the complement: CNGB1 is on the minus strand). VCF-style: chr16-57917447-C-T. GRCh37 (hg19) VCF-style: chr16-57951351-C-T.
Other names: c.1987G>A (NM_001297.4); c.1969G>A, p.Val657Met (NM_001286130.2); short protein forms V657M, V663M.
Identifiers: ClinVar variation 1016611 (VCV001016611.8), dbSNP rs771774133, ClinGen allele CA281600007.

ClinVar aggregate classification (germline): Uncertain significance. Review status: criteria provided, multiple submitters, no conflicts (2 of 4 stars). 3 submissions from 3 submitters: Uncertain significance (3). Last evaluated 2026-03-25.

Conditions:
CNGB1-related disorder. Also called: CNGB1-related condition.

Allele frequency attached by ClinVar (database versions not stated): TOPMed 0.00003; gnomAD 0.00004 and 0.00005.
gnomAD v4.1: 32 of 1,613,938 alleles (0.002%); highest among the groups gnomAD compares: African/African-American, 0.0067%; no homozygotes.

Submissions (3):

PreventionGenetics, part of Exact Sciences
Classification: Uncertain significance for CNGB1-related condition. Last evaluated: 2026-03-25. Review status: criteria provided, single submitter. Criteria: ACMG Guidelines, 2015. Collection method: clinical testing. Allele origin: germline.
Comment: The CNGB1 c.1987G>A variant is predicted to result in the amino acid substitution p.Val663Met. To our knowledge, this variant has not been reported in the literature. This variant is reported in 0.0041% of alleles in individuals of African descent in gnomAD. At this time, the clinical significance of this variant is uncertain due to the absence of conclusive functional and genetic evidence.

Labcorp Genetics (formerly Invitae), Labcorp
Classification: Uncertain significance. Last evaluated: 2024-01-02. Review status: criteria provided, single submitter. Criteria: Invitae Variant Classification Sherloc (09022015). Collection method: clinical testing. Allele origin: germline.
Comment: This sequence change replaces valine, which is neutral and non-polar, with methionine, which is neutral and non-polar, at codon 663 of the CNGB1 protein (p.Val663Met). This variant is present in population databases (no rsID available, gnomAD 0.003%). This variant has not been reported in the literature in individuals affected with CNGB1-related conditions. ClinVar contains an entry for this variant (Variation ID: 1016611). Advanced modeling of protein sequence and biophysical properties (such as structural, functional, and spatial information, amino acid conservation, physicochemical variation, residue mobility, and thermodynamic stability) has been performed at Invitae for this missense variant, however the output from this modeling did not meet the statistical confidence thresholds required to predict the impact of this variant on CNGB1 protein function. In summary, the available evidence is currently insufficient to determine the role of this variant in disease. Therefore, it has been classified as a Variant of Uncertain Significance.

Blueprint Genetics
Classification: Uncertain significance. Last evaluated: 2021-12-27. Review status: criteria provided, single submitter. Criteria: ACMG Guidelines, 2015. Collection method: clinical testing. Allele origin: germline.